The following is an entry in ClinVar:

ClinVar aggregate classification (germline): Likely pathogenic (1 of 4 stars; one submission).

Conditions:
Hereditary cancer-predisposing syndrome. Also called: Hereditary Cancer Syndrome; Hereditary neoplastic syndrome; Neoplastic Syndromes, Hereditary; Tumor predisposition. Identifiers: Orphanet 140162, MedGen C0027672, MeSH D009386, MONDO:0015356.

Submission:

Sema4
Classification: Likely pathogenic for Hereditary cancer-predisposing syndrome. Last evaluated: 2022-02-25. Review status: criteria provided, single submitter. Criteria: Sema4 Curation Guidelines. Collection method: curation. Allele origin: germline.
Comment: To the best of our knowledge, the NTHL1 c.271delG (p.D91TfsX12) variant has not been reported in individuals with NTHL1-related disease. This variant causes a frameshift at amino acid 91 that results in premature termination 12 amino acids downstream. At this location, this is predicted to cause a disrupted protein or nonsense-mediated decay resulting in an absent protein (loss of function). Loss-of-function variants in NTHL1 are known to be pathogenic (PMID: 25938944). This variant is not reported in the population database Genome Aggregation Database (PMID: 27535533). The variant has not been reported in ClinVar. Based on the current evidence available, this variant is interpreted as likely pathogenic.

Literature cited by the submitters: PubMed 25938944.

NM_002528.7(NTHL1):c.247del (p.Asp83fs)

Gene: NTHL1 (nth like DNA glycosylase 1; minus strand). Cytogenetic location: 16p13.3.
Variant type: Deletion.
Coding change: c.247del on transcript NM_002528.7 (MANE Select); coding-DNA position 247, one base deleted (G; older notation c.247delG).
Protein change: p.Asp83fs; shifts the reading frame from aspartic acid 83.
Molecular consequence: frameshift variant. On other transcripts: intron variant (1).
Genome position (GRCh38, 1-based): chr16:2,046,235, C deleted on the plus strand (G on the coding strand, the reverse complement: NTHL1 is on the minus strand); the first of 2 consecutive C bases (chr16:2,046,235-2,046,236); deleting either gives the same sequence. VCF-style (leftmost placement, unchanged base first): chr16-2046234-TC-T. GRCh37 (hg19) VCF-style: chr16-2096235-TC-T.
Other names: c.247del, p.Asp83fs (NM_001318193.2); c.24+45del (NM_001318194.2); short protein forms D83fs.
Identifiers: ClinVar variation 1692693 (VCV001692693.1), dbSNP rs2150946170, ClinGen allele CA2573151820.